The following is an entry in ClinVar:

ClinVar aggregate classification (germline): Uncertain significance (1 of 4 stars; one submission).

Conditions:
Hereditary cancer-predisposing syndrome. Also called: Neoplastic Syndromes, Hereditary; Tumor predisposition; Hereditary neoplastic syndrome; Hereditary Cancer Syndrome. Identifiers: Orphanet 140162, MedGen C0027672, MeSH D009386, MONDO:0015356.

Submission:

Ambry Genetics
Classification: Uncertain significance for Hereditary cancer-predisposing syndrome. Last evaluated: 2026-07-07. Review status: criteria provided, single submitter. Criteria: Ambry Variant Classification Scheme 2023. Collection method: clinical testing. Allele origin: germline.
Comment: The p.H96D variant (also known as c.286C>G), located in coding exon 3 of the SDHAF2 gene, results from a C to G substitution at nucleotide position 286. The histidine at codon 96 is replaced by aspartic acid, an amino acid with similar properties. This amino acid position is conserved. In addition, this alteration is predicted to be tolerated by in silico analysis. Based on the available evidence, the clinical significance of this variant remains unclear.

NM_017841.4(SDHAF2):c.286C>G (p.His96Asp)

Gene: SDHAF2 (succinate dehydrogenase complex assembly factor 2; plus strand). Cytogenetic location: 11q12.2.
Variant type: single nucleotide variant.
Coding change: c.286C>G on transcript NM_017841.4 (MANE Select); coding-DNA position 286, C replaced by G.
Protein change: p.His96Asp; replaces histidine 96 with aspartic acid.
Molecular consequence: missense variant.
Genome position (GRCh38, 1-based): chr11:61,438,029, C>G. VCF-style: chr11-61438029-C-G. GRCh37 (hg19) VCF-style: chr11-61205501-C-G.
Other names: short protein forms H96D.
Identifiers: ClinVar variation 5029238 (VCV005029238.1).